The following is an entry in ClinVar:

ClinVar aggregate classification (germline): Uncertain significance (1 of 4 stars; one submission).

Allele frequency attached by ClinVar (database versions not stated): gnomAD exomes below 0.00001.
gnomAD v4.1: 5 of 1,613,932 alleles (0.00031%); highest among the groups gnomAD compares: Non-Finnish European, 0.00042%; no homozygotes.

Submission:

Labcorp Genetics (formerly Invitae), Labcorp
Classification: Uncertain significance. Last evaluated: 2024-10-29. Review status: criteria provided, single submitter. Criteria: Invitae Variant Classification Sherloc (09022015). Collection method: clinical testing. Allele origin: germline.
Comment: This sequence change replaces arginine, which is basic and polar, with glutamine, which is neutral and polar, at codon 419 of the RBPJ protein (p.Arg419Gln). This variant is not present in population databases (gnomAD no frequency). This variant has not been reported in the literature in individuals affected with RBPJ-related conditions. ClinVar contains an entry for this variant (Variation ID: 1361161). Invitae Evidence Modeling of protein sequence and biophysical properties (such as structural, functional, and spatial information, amino acid conservation, physicochemical variation, residue mobility, and thermodynamic stability) indicates that this missense variant is not expected to disrupt RBPJ protein function with a negative predictive value of 80%. In summary, the available evidence is currently insufficient to determine the role of this variant in disease. Therefore, it has been classified as a Variant of Uncertain Significance.

NM_015874.6(RBPJ):c.1217G>A (p.Arg406Gln)

Gene: RBPJ (recombination signal binding protein for immunoglobulin kappa J region; plus strand). Cytogenetic location: 4p15.2.
Variant type: single nucleotide variant.
Coding change: c.1217G>A on transcript NM_015874.6 (MANE Select); coding-DNA position 1217, G replaced by A.
Protein change: p.Arg406Gln; replaces arginine 406 with glutamine.
Molecular consequence: missense variant.
Genome position (GRCh38, 1-based): chr4:26,430,760, G>A. VCF-style: chr4-26430760-G-A. GRCh37 (hg19) VCF-style: chr4-26432382-G-A.
Other names: c.1151G>A, p.Arg384Gln (NM_001363577.2, NM_203283.5); c.1256G>A, p.Arg419Gln (NM_001374400.1, NM_005349.4); c.1214G>A, p.Arg405Gln (NM_001374401.1, NM_001374402.1, NM_001374403.1 and 3 more transcripts); c.1100G>A, p.Arg367Gln (NM_001379408.1); c.1055G>A, p.Arg352Gln (NM_001379409.1); short protein forms R406Q, R352Q, R367Q, R384Q, R419Q, R405Q.
Identifiers: ClinVar variation 1361161 (VCV001361161.8), dbSNP rs1064384, ClinGen allele CA94392765.
Genomic context (GRCh38, chr4:26,430,760, plus strand): 5'-AGAGTATGCTCTGTGTCGTCCCAGACATTTCTGCATTCCGAGAAGGTTGGAGATGGGTCC[G>A]GCAACCAGTCCAGGTTCCAGTAACTTTGGTCCGAAATGATGGAATCATTTATTCCACCAG-3'
Protein context (NP_056958.3, residues 396-416): SAFREGWRWV[Arg406Gln]QPVQVPVTLV